The following is an entry in ClinVar:

NM_001042492.3(NF1):c.3728T>G (p.Leu1243Arg)

Gene: NF1 (neurofibromin 1; plus strand). Cytogenetic location: 17q11.2.
Variant type: single nucleotide variant.
Coding change: c.3728T>G on transcript NM_001042492.3 (MANE Select); coding-DNA position 3728, T replaced by G.
Protein change: p.Leu1243Arg; replaces leucine 1243 with arginine.
Molecular consequence: missense variant.
Genome position (GRCh38, 1-based): chr17:31,235,630, T>G. VCF-style: chr17-31235630-T-G. GRCh37 (hg19) VCF-style: chr17-29562648-T-G.
Other names: c.3728T>G, p.Leu1243Arg (NM_000267.4); short protein forms L1243R.
Identifiers: ClinVar variation 1484658 (VCV001484658.6), dbSNP rs137854564, ClinGen allele CA398992356.

ClinVar aggregate classification (germline): Likely pathogenic (1 of 4 stars; one submission).

Conditions:
Neurofibromatosis, type 1 (NF1). Also called: NEUROFIBROMATOSIS, TYPE I, SOMATIC; Neurofibromatosis, type I; VON RECKLINGHAUSEN DISEASE; Peripheral type neurofibromatosis. Identifiers: Orphanet 636, MedGen C0027831, MONDO:0018975, OMIM 162200. Disease mechanism: loss of function.

Submission:

Labcorp Genetics (formerly Invitae), Labcorp
Classification: Likely pathogenic for Neurofibromatosis, type 1. Last evaluated: 2025-09-11. Review status: criteria provided, single submitter. Criteria: Invitae Variant Classification Sherloc (09022015). Collection method: clinical testing. Allele origin: germline.
Comment: This sequence change replaces leucine, which is neutral and non-polar, with arginine, which is basic and polar, at codon 1243 of the NF1 protein (p.Leu1243Arg). This variant is not present in population databases (gnomAD no frequency). This missense change has been observed in individual(s) with neurofibromatosis, type 1 (internal data). ClinVar contains an entry for this variant (Variation ID: 1484658). Invitae Evidence Modeling of protein sequence and biophysical properties (such as structural, functional, and spatial information, amino acid conservation, physicochemical variation, residue mobility, and thermodynamic stability) indicates that this missense variant is expected to disrupt NF1 protein function with a positive predictive value of 95%. In summary, the currently available evidence indicates that the variant is pathogenic, but additional data are needed to prove that conclusively. Therefore, this variant has been classified as Likely Pathogenic.